The following is an entry in ClinVar:

NM_001267550.2(TTN):c.96979G>A (p.Val32327Met)

Genes: TTN-AS1 (TTN antisense RNA 1; plus strand), TTN (titin; minus strand). Cytogenetic location: 2q31.2.
Variant type: single nucleotide variant.
Coding change: c.96979G>A on transcript NM_001267550.2 (MANE Select); coding-DNA position 96979, G replaced by A.
Protein change: p.Val32327Met; replaces valine 32327 with methionine.
Molecular consequence: missense variant.
Genome position (GRCh38, 1-based): chr2:178,542,875, C>T on the plus strand (G>A on the coding strand, the complement: TTN is on the minus strand). VCF-style: chr2-178542875-C-T. GRCh37 (hg19) VCF-style: chr2-179407602-C-T.
Other names: c.92056G>A, p.Val30686Met (NM_001256850.1); c.69784G>A, p.Val23262Met (NM_003319.4); c.89275G>A, p.Val29759Met (NM_133378.4); c.70159G>A, p.Val23387Met (NM_133432.3); c.70360G>A, p.Val23454Met (NM_133437.4); short protein forms V23262M, V23387M, V23454M, V29759M, V30686M, V32327M.
Identifiers: ClinVar variation 996305 (VCV000996305.2), dbSNP rs956461857, ClinGen allele CA60969339.
Genomic context (GRCh38, chr2:178,542,875, plus strand): 5'-GTTTAGAACCAGCAAAGAACCAGGAAGCAGCAGGAGGTGGACGGCCAGCAATAGGTATCA[C>T]CAGCTCTACTGGTCTGCCAGCTGGGACATGGATGGTCTTCTGAGGCATTGTAGAAAGATC-3'
Protein context (NP_001254479.2, residues 32317-32337): HVPAGRPVEL[Val32327Met]IPIAGRPPPA

ClinVar aggregate classification (germline): Uncertain significance. Review status: criteria provided, multiple submitters, no conflicts (2 of 4 stars). 2 submissions from 2 submitters: Uncertain significance (2). Last evaluated 2021-09-14.

Conditions:
Hypertrophic cardiomyopathy 9. Also called: Familial hypertrophic cardiomyopathy 9. Identifiers: MedGen C1861065, MONDO:0013412, OMIM 613765.
Early-onset myopathy with fatal cardiomyopathy (CMYO5). Also called: CONGENITAL MYOPATHY 5 WITH CARDIOMYOPATHY; Salih Myopathy. Identifiers: Orphanet 289377, MedGen C2673677, MONDO:0012714, OMIM 611705. Disease mechanism: loss of function.
Myopathy, myofibrillar, 9, with early respiratory failure (MFM9). Also called: EDSTROM MYOPATHY; MYOPATHY, PROXIMAL, WITH EARLY RESPIRATORY MUSCLE INVOLVEMENT; Hereditary myopathy with early respiratory failure; Myopathy, distal, with early respiratory failure, autosomal dominant. Identifiers: Orphanet 178464, Orphanet 34521, MedGen C1863599, MONDO:0011362, OMIM 603689.
Tibial muscular dystrophy (TMD). Also called: Tibial muscular dystrophy, tardive; UDD MYOPATHY; Udd Distal Myopathy – Tibial Muscular Dystrophy. Identifiers: Orphanet 609, MedGen C1838244, MONDO:0010870, OMIM 600334.
Dilated cardiomyopathy 1G (CMD1G). Identifiers: Orphanet 154, MedGen C1858763, MONDO:0011400, OMIM 604145.
Autosomal recessive limb-girdle muscular dystrophy type 2J (LGMDR10). Also called: Limb-girdle muscular dystrophy, type 2J; MUSCULAR DYSTROPHY, LIMB-GIRDLE, AUTOSOMAL RECESSIVE 10. Identifiers: Orphanet 140922, MedGen C1837342, MONDO:0012127, OMIM 608807.

Allele frequency attached by ClinVar (database versions not stated): gnomAD exomes below 0.00001 and 0.00001; TOPMed 0.00001.
gnomAD v4.1: 4 of 1,613,784 alleles (0.00025%); highest among the groups gnomAD compares: Non-Finnish European, 0.00025%; no homozygotes.

Submissions (2):

Fulgent Genetics
Classification: Uncertain significance for Tibial muscular dystrophy; Myopathy, myofibrillar, 9, with early respiratory failure; Dilated cardiomyopathy 1G; Autosomal recessive limb-girdle muscular dystrophy type 2J; Early-onset myopathy with fatal cardiomyopathy; Hypertrophic cardiomyopathy 9. Last evaluated: 2021-09-14. Review status: criteria provided, single submitter. Criteria: ACMG Guidelines, 2015. Collection method: clinical testing. Allele origin: unknown.

Women's Health and Genetics/Laboratory Corporation of America, LabCorp
Classification: Uncertain significance. Last evaluated: 2021-01-28. Review status: criteria provided, single submitter. Criteria: LabCorp Variant Classification Summary - May 2015. Collection method: clinical testing. Allele origin: germline.
Comment: Variant summary: TTN c.89275G>A (p.Val29759Met) results in a conservative amino acid change located in the A-band of the encoded protein sequence. Five of five in-silico tools predict a benign effect of the variant on protein function. The variant allele was found at a frequency of 4e-06 in 247646 control chromosomes (gnomAD). The available data on variant occurrences in the general population are insufficient to allow any conclusion about variant significance. To our knowledge, no occurrence of c.89275G>A in individuals affected with Dilated Cardiomyopathy and no experimental evidence demonstrating its impact on protein function have been reported. No clinical diagnostic laboratories have submitted clinical-significance assessments for this variant to ClinVar after 2014. Based on the evidence outlined above, the variant was classified as uncertain significance.